The following is an entry in ClinVar:

NM_003924.4(PHOX2B):c.203G>A (p.Gly68Asp)

Genes: PHOX2B (paired like homeobox 2B; minus strand), PHOX2B-AS1 (PHOX2B antisense RNA 1; plus strand). Cytogenetic location: 4p13.
Variant type: single nucleotide variant.
Coding change: c.203G>A on transcript NM_003924.4 (MANE Select); coding-DNA position 203, G replaced by A.
Protein change: p.Gly68Asp; replaces glycine 68 with aspartic acid.
Molecular consequence: missense variant. On other transcripts: non-coding transcript variant (1).
Genome position (GRCh38, 1-based): chr4:41,748,408, C>T on the plus strand (G>A on the coding strand, the complement: PHOX2B is on the minus strand). VCF-style: chr4-41748408-C-T. GRCh37 (hg19) VCF-style: chr4-41750425-C-T.
Other names: short protein forms G68D.
Identifiers: ClinVar variation 5026521 (VCV005026521.1).
Genomic context (GRCh38, chr4:41,748,408, plus strand): 5'-TGAGAAAGCTGAAGGTCCTTACCTGCGGCGTACGGACTGCTCTGGTGGTCCCTGAGGGTG[C>T]CCAGGCTGCAGGATCCCGGCGTGAGGGAAGGGCAGCCGGACGTGGCCCCAAAAGTGGTCC-3'
Protein context (NP_003915.2, residues 58-78): PSLTPGSCSL[Gly68Asp]TLRDHQSSPY

ClinVar aggregate classification (germline): Uncertain significance (1 of 4 stars; one submission).

Conditions:
Hereditary cancer-predisposing syndrome. Also called: Neoplastic Syndromes, Hereditary; Tumor predisposition; Hereditary neoplastic syndrome; Hereditary Cancer Syndrome. Identifiers: Orphanet 140162, MedGen C0027672, MeSH D009386, MONDO:0015356.

Submission:

Ambry Genetics
Classification: Uncertain significance for Hereditary cancer-predisposing syndrome. Last evaluated: 2026-07-06. Review status: criteria provided, single submitter. Criteria: Ambry Variant Classification Scheme 2023. Collection method: clinical testing. Allele origin: germline.
Comment: The p.G68D variant (also known as c.203G>A), located in coding exon 1 of the PHOX2B gene, results from a G to A substitution at nucleotide position 203. The glycine at codon 68 is replaced by aspartic acid, an amino acid with similar properties. This amino acid position is conserved. In addition, the in silico prediction for this alteration is inconclusive. Based on the available evidence, the clinical significance of this variant remains unclear.